The following is an entry in ClinVar:

ClinVar aggregate classification (germline): Uncertain significance (1 of 4 stars; one submission).

Submission:

Labcorp Genetics (formerly Invitae), Labcorp
Classification: Uncertain significance. Last evaluated: 2023-12-30. Review status: criteria provided, single submitter. Criteria: Invitae Variant Classification Sherloc (09022015). Collection method: clinical testing. Allele origin: germline.
Comment: This sequence change replaces glycine, which is neutral and non-polar, with valine, which is neutral and non-polar, at codon 339 of the LRP5 protein (p.Gly339Val). This variant is not present in population databases (gnomAD no frequency). This variant has not been reported in the literature in individuals affected with LRP5-related conditions. An algorithm developed to predict the effect of missense changes on protein structure and function (PolyPhen-2) suggests that this variant is likely to be disruptive. Algorithms developed to predict the effect of sequence changes on RNA splicing suggest that this variant may create or strengthen a splice site. In summary, the available evidence is currently insufficient to determine the role of this variant in disease. Therefore, it has been classified as a Variant of Uncertain Significance.

NM_002335.4(LRP5):c.1016G>T (p.Gly339Val)

Gene: LRP5 (LDL receptor related protein 5; plus strand). Cytogenetic location: 11q13.2.
Variant type: single nucleotide variant.
Coding change: c.1016G>T on transcript NM_002335.4 (MANE Select); coding-DNA position 1016, G replaced by T.
Protein change: p.Gly339Val; replaces glycine 339 with valine.
Molecular consequence: missense variant. On other transcripts: 5 prime UTR variant (1).
Genome position (GRCh38, 1-based): chr11:68,386,316, G>T. VCF-style: chr11-68386316-G-T. GRCh37 (hg19) VCF-style: chr11-68153784-G-T.
Other names: c.-750G>T (NM_001291902.2); short protein forms G339V.
Identifiers: ClinVar variation 2706567 (VCV002706567.3), dbSNP rs2496597010, ClinGen allele CA381612073.